The following is an entry in ClinVar:

NM_015214.3(DDHD2):c.478ATT[2] (p.Ile162del)

Gene: DDHD2 (DDHD domain containing 2; plus strand). Cytogenetic location: 8p11.23.
Variant type: Microsatellite.
Coding change: c.478ATT[2] on transcript NM_015214.3 (MANE Select); two copies in a row of the 3-base unit ATT starting at c.478; the reference has three copies in a row; one copy, 3 bases deleted.
Protein change: p.Ile162del; deletes isoleucine 162.
Molecular consequence: inframe deletion. On other transcripts: non-coding transcript variant (2).
Genome position (GRCh38, 1-based): chr8:38,237,610-38,237,612, ATT deleted; deleting any 3 consecutive bases within chr8:38,237,604-38,237,612 gives the same sequence; the position shown is the placement nearest the transcript's 3' end. VCF-style (leftmost placement, unchanged base first): chr8-38237603-AATT-A. GRCh37 (hg19) VCF-style: chr8-38095121-AATT-A.
Other names: c.478ATT[2], p.Ile162del (NM_001164232.2, NM_001164234.2, NM_001362911.2 and 3 more transcripts); short protein forms I162del.
Identifiers: ClinVar variation 2868147 (VCV002868147.3), dbSNP rs1804904686, ClinGen allele CA1777458209.
Genomic context (GRCh38, chr8:38,237,603, plus strand): 5'-TTACATGCTTGCTGTAACTTTGGATGAATGGAAAAAGAAACTGGAATCTCCCAACAGAGA[AATT>A]ATTATTTTACACAATCCAAAGGTAAAACAAAGCATTTCTCTTGTCGGGATAAAAAGTTAA-3'

ClinVar aggregate classification (germline): Uncertain significance (1 of 4 stars; one submission).

Conditions:
Hereditary spastic paraplegia 54. Also called: Spastic paraplegia 54, autosomal recessive. Identifiers: Orphanet 320380, MedGen C3539495, MONDO:0014018, OMIM 615033.

Submission:

Labcorp Genetics (formerly Invitae), Labcorp
Classification: Uncertain significance for Hereditary spastic paraplegia 54. Last evaluated: 2023-07-24. Review status: criteria provided, single submitter. Criteria: Invitae Variant Classification Sherloc (09022015). Collection method: clinical testing. Allele origin: germline.
Comment: This variant, c.484_486del, results in the deletion of 1 amino acid(s) of the DDHD2 protein (p.Ile162del), but otherwise preserves the integrity of the reading frame. This variant is not present in population databases (gnomAD no frequency). This variant has not been reported in the literature in individuals affected with DDHD2-related conditions. Experimental studies and prediction algorithms are not available or were not evaluated, and the functional significance of this variant is currently unknown. In summary, the available evidence is currently insufficient to determine the role of this variant in disease. Therefore, it has been classified as a Variant of Uncertain Significance.